The following is an entry in ClinVar:

ClinVar aggregate classification (germline): Uncertain significance (1 of 4 stars; one submission).

Conditions:
Tremor, hereditary essential, 5 (ETM5). Identifiers: MedGen C4225223, MONDO:0014756, OMIM 616736.

gnomAD v4.1: 3 of 1,614,012 alleles (0.00019%); highest among the groups gnomAD compares: Non-Finnish European, 0.00025%; no homozygotes.

Submission:

Centre for Mendelian Genomics, University Medical Centre Ljubljana
Classification: Uncertain significance for Tremor, hereditary essential, 5. Last evaluated: 2018-10-30. Review status: criteria provided, single submitter. Criteria: ACMG Guidelines, 2015. Collection method: clinical testing. Allele origin: unknown. Affected: yes.
Comment: This variant was classified as: Uncertain significance. The available evidence on this variant's pathogenicity is insufficient or conflicting. The following ACMG criteria were applied in classifying this variant: PP3.

NM_001098816.3(TENM4):c.4681C>T (p.Arg1561Trp)

Gene: TENM4 (teneurin transmembrane protein 4; minus strand). Cytogenetic location: 11q14.1.
Variant type: single nucleotide variant.
Coding change: c.4681C>T on transcript NM_001098816.3 (MANE Select); coding-DNA position 4681, C replaced by T.
Protein change: p.Arg1561Trp; replaces arginine 1561 with tryptophan.
Molecular consequence: missense variant.
Genome position (GRCh38, 1-based): chr11:78,701,932, G>A on the plus strand (C>T on the coding strand, the complement: TENM4 is on the minus strand). VCF-style: chr11-78701932-G-A. GRCh37 (hg19) VCF-style: chr11-78412977-G-A.
Other names: short protein forms R1561W.
Identifiers: ClinVar variation 931802 (VCV000931802.3), dbSNP rs375897439, ClinGen allele CA382144597.
Genomic context (GRCh38, chr11:78,701,932, plus strand): 5'-GTGAAGACAGCTCATACATGTTCTGGGTGTTGAGGAAAGGCTTGTTCTTCCGGATAAACC[G>A]AATTCGGATGTTCCCAAGGTCGGCCACGTAGAGCTCCCCATCAGCACACACAGCCAAGGA-3'
Protein context (NP_001092286.2, residues 1551-1571): YVADLGNIRI[Arg1561Trp]FIRKNKPFLN